The following is an entry in ClinVar:

ClinVar aggregate classification (germline): Uncertain significance (1 of 4 stars; one submission).

Conditions:
Familial infantile myasthenia (CMS6). Also called: MYASTHENIC SYNDROME, CONGENITAL, 6, PRESYNAPTIC; MYASTHENIC SYNDROME, PRESYNAPTIC, CONGENITAL, ASSOCIATED WITH EPISODIC APNEA; Congenital myasthenic syndrome type 6. Identifiers: Orphanet 590, MedGen C0393929, MONDO:0009689, OMIM 254210.

Allele frequency attached by ClinVar (database versions not stated): gnomAD exomes below 0.00001 and 0.00001; gnomAD 0.00001; TOPMed 0.00002.
gnomAD v4.1: 12 of 1,613,990 alleles (0.00074%); highest among the groups gnomAD compares: African/African-American, 0.0027%; no homozygotes.

Submission:

Labcorp Genetics (formerly Invitae), Labcorp
Classification: Uncertain significance for Familial infantile myasthenia. Last evaluated: 2022-08-09. Review status: criteria provided, single submitter. Criteria: Invitae Variant Classification Sherloc (09022015). Collection method: clinical testing. Allele origin: germline.
Comment: This sequence change replaces arginine, which is basic and polar, with histidine, which is basic and polar, at codon 322 of the CHAT protein (p.Arg322His). This variant is present in population databases (no rsID available, gnomAD 0.0009%). This variant has not been reported in the literature in individuals affected with CHAT-related conditions. ClinVar contains an entry for this variant (Variation ID: 1350074). Advanced modeling of protein sequence and biophysical properties (such as structural, functional, and spatial information, amino acid conservation, physicochemical variation, residue mobility, and thermodynamic stability) performed at Invitae indicates that this missense variant is not expected to disrupt CHAT protein function. In summary, the available evidence is currently insufficient to determine the role of this variant in disease. Therefore, it has been classified as a Variant of Uncertain Significance.

NM_020549.5(CHAT):c.965G>A (p.Arg322His)

Gene: CHAT (choline O-acetyltransferase; plus strand). Cytogenetic location: 10q11.23.
Variant type: single nucleotide variant.
Coding change: c.965G>A on transcript NM_020549.5 (MANE Select); coding-DNA position 965, G replaced by A.
Protein change: p.Arg322His; replaces arginine 322 with histidine.
Molecular consequence: missense variant.
Genome position (GRCh38, 1-based): chr10:49,627,639, G>A. VCF-style: chr10-49627639-G-A. GRCh37 (hg19) VCF-style: chr10-50835685-G-A.
Other names: c.611G>A, p.Arg204His (NM_001142929.2, NM_001142934.2, NM_020984.4 and 2 more transcripts); c.719G>A, p.Arg240His (NM_001142933.2); short protein forms R204H, R240H, R322H.
Identifiers: ClinVar variation 1350074 (VCV001350074.3), dbSNP rs906626657, ClinGen allele CA206632203.